The following is an entry in ClinVar:

ClinVar aggregate classification (germline): Uncertain significance (1 of 4 stars; one submission).

Allele frequency attached by ClinVar (database versions not stated): TOPMed below 0.00001; gnomAD exomes 0.00002; gnomAD 0.00003; ExAC 0.00004; 1000 Genomes Project 30x 0.00031; 1000 Genomes Project 0.00040.
gnomAD v4.1: 31 of 1,614,224 alleles (0.0019%); highest among the groups gnomAD compares: South Asian, 0.032%; no homozygotes.

Submission:

Labcorp Genetics (formerly Invitae), Labcorp
Classification: Uncertain significance. Last evaluated: 2025-11-24. Review status: criteria provided, single submitter. Criteria: Invitae Variant Classification Sherloc (09022015). Collection method: clinical testing. Allele origin: germline.
Comment: This sequence change replaces serine, which is neutral and polar, with asparagine, which is neutral and polar, at codon 480 of the CACNA1D protein (p.Ser480Asn). This variant is present in population databases (rs199737839, gnomAD 0.03%). This variant has not been reported in the literature in individuals affected with CACNA1D-related conditions. ClinVar contains an entry for this variant (Variation ID: 1916064). An algorithm developed to predict the effect of missense changes on protein structure and function outputs the following: PolyPhen-2: "Benign". The asparagine amino acid residue is found in multiple mammalian species, which suggests that this missense change does not adversely affect protein function. In summary, the available evidence is currently insufficient to determine the role of this variant in disease. Therefore, it has been classified as a Variant of Uncertain Significance.

NM_001128840.3(CACNA1D):c.1439G>A (p.Ser480Asn)

Gene: CACNA1D (calcium voltage-gated channel subunit alpha1 D; plus strand). Cytogenetic location: 3p21.1.
Variant type: single nucleotide variant.
Coding change: c.1439G>A on transcript NM_001128840.3 (MANE Select); coding-DNA position 1439, G replaced by A.
Protein change: p.Ser480Asn; replaces serine 480 with asparagine.
Molecular consequence: missense variant.
Genome position (GRCh38, 1-based): chr3:53,718,349, G>A. VCF-style: chr3-53718349-G-A. GRCh37 (hg19) VCF-style: chr3-53752376-G-A.
Other names: c.1439G>A, p.Ser480Asn (NM_000720.4, NM_001128839.3); short protein forms S480N.
Identifiers: ClinVar variation 1916064 (VCV001916064.5), dbSNP rs199737839, ClinGen allele CA2453948.